The following is an entry in ClinVar:

NM_006563.5(KLF1):c.802C>T (p.Arg268Ter)

Genes: KLF1 (KLF transcription factor 1; minus strand), LOC117125591 (CRISPRi-FlowFISH-validated PRDX2 and RAD23A regulatory element; plus strand). Cytogenetic location: 19p13.13.
Variant type: single nucleotide variant.
Coding change: c.802C>T on transcript NM_006563.5 (MANE Select); coding-DNA position 802, C replaced by T.
Protein change: p.Arg268Ter; replaces arginine 268 with a stop codon.
Molecular consequence: nonsense.
Genome position (GRCh38, 1-based): chr19:12,885,428, G>A on the plus strand (C>T on the coding strand, the complement: KLF1 is on the minus strand). VCF-style: chr19-12885428-G-A. GRCh37 (hg19) VCF-style: chr19-12996242-G-A.
Other names: short protein forms R268*.
Identifiers: ClinVar variation 4710513 (VCV004710513.1).
Genomic context (GRCh38, chr19:12,885,428, plus strand): 5'-TGCCGCAACCCGGGTGCGCGCACGTGTGCGCTGCCTGCCTCTTGCGCGCCCACGAACGTC[G>A]GCCTCGCTTGGATGGCGCGGTCTCGGCTATCACACCTGGATCCTCTGCAGTCCCCCCGAG-3'

ClinVar aggregate classification (germline): Pathogenic (1 of 4 stars; one submission).

Submission:

Labcorp Genetics (formerly Invitae), Labcorp
Classification: Pathogenic. Last evaluated: 2025-08-26. Review status: criteria provided, single submitter. Criteria: Invitae Variant Classification Sherloc (09022015). Collection method: clinical testing. Allele origin: germline.
Comment: This sequence change creates a premature translational stop signal (p.Arg268*) in the KLF1 gene. It is expected to result in an absent or disrupted protein product. Loss-of-function variants in KLF1 are known to be pathogenic (PMID: 24443441, 25724378). This variant is not present in population databases (gnomAD no frequency). This variant has not been reported in the literature in individuals affected with KLF1-related conditions. For these reasons, this variant has been classified as Pathogenic.

Literature cited by the submitters: PubMed 24443441; PubMed 25724378.